The following is an entry in ClinVar:

ClinVar aggregate classification (germline): Uncertain significance (1 of 4 stars; one submission).

Submission:

GeneDx
Classification: Uncertain significance. Last evaluated: 2022-01-21. Review status: criteria provided, single submitter. Criteria: GeneDx Variant Classification Process June 2021. Collection method: clinical testing. Allele origin: germline. Affected: yes.
Comment: Not observed at significant frequency in large population cohorts (gnomAD); In silico analysis supports that this missense variant has a deleterious effect on protein structure/function; Has not been previously published as pathogenic or benign to our knowledge

NM_006593.4(TBR1):c.710T>C (p.Leu237Ser)

Gene: TBR1 (T-box brain transcription factor 1; plus strand). Cytogenetic location: 2q24.2.
Variant type: single nucleotide variant.
Coding change: c.710T>C on transcript NM_006593.4 (MANE Select); coding-DNA position 710, T replaced by C.
Protein change: p.Leu237Ser; replaces leucine 237 with serine.
Molecular consequence: missense variant.
Genome position (GRCh38, 1-based): chr2:161,417,693, T>C. VCF-style: chr2-161417693-T-C. GRCh37 (hg19) VCF-style: chr2-162274204-T-C.
Other names: short protein forms L237S.
Identifiers: ClinVar variation 1698001 (VCV001698001.2), dbSNP rs2105278913, ClinGen allele CA349212023.
Genomic context (GRCh38, chr2:161,417,693, plus strand): 5'-TCTTTTTTCCTTGTTTTCTCCCCCCACCCCTTAATTTAAATAGGCGCATGTTTCCTTTTT[T>C]AAGTTTTAACATTTCTGGTCTCGATCCCACGGCTCATTACAATATTTTTGTGGATGTGAT-3'
Protein context (NP_006584.1, residues 227-247): TKQGRRMFPF[Leu237Ser]SFNISGLDPT